The following is an entry in ClinVar:

NM_007294.4(BRCA1):c.3856A>G (p.Ser1286Gly)

Genes: BRCA1 (BRCA1 DNA repair associated; minus strand), LOC126862571 (BRD4-independent group 4 enhancer GRCh37_chr17:41243136-41244335; plus strand). Cytogenetic location: 17q21.31.
Variant type: single nucleotide variant.
Coding change: c.3856A>G on transcript NM_007294.4 (MANE Select); coding-DNA position 3856, A replaced by G.
Protein change: p.Ser1286Gly; replaces serine 1286 with glycine.
Molecular consequence: missense variant. On other transcripts: intron variant (135).
Genome position (GRCh38, 1-based): chr17:43,091,675, T>C on the plus strand (A>G on the coding strand, the complement: BRCA1 is on the minus strand). VCF-style: chr17-43091675-T-C. GRCh37 (hg19) VCF-style: chr17-41243692-T-C.
Other names: c.3643A>G, p.Ser1215Gly (NM_001407571.1, NM_001407853.1, NM_001407894.1 and 9 more transcripts); c.3856A>G, p.Ser1286Gly (NM_001407581.1, NM_001407582.1, NM_001407583.1 and 30 more transcripts); c.3853A>G, p.Ser1285Gly (NM_001407587.1, NM_001407590.1, NM_001407591.1 and 22 more transcripts); c.3847A>G, p.Ser1283Gly (NM_001407646.1, NM_001407647.1); c.3733A>G, p.Ser1245Gly (NM_001407648.1, NM_001407664.1, NM_001407665.1 and 19 more transcripts); c.3730A>G, p.Ser1244Gly (NM_001407649.1, NM_001407670.1, NM_001407671.1 and 11 more transcripts); c.3778A>G, p.Ser1260Gly (NM_001407653.1, NM_001407654.1, NM_001407655.1 and 4 more transcripts); c.3775A>G, p.Ser1259Gly (NM_001407659.1, NM_001407660.1, NM_001407661.1 and 1 more transcripts); and 41 more; short protein forms S1159G, S1239G, S1245G, S1260G, S990G, S1158G, S1175G, S1244G.
Identifiers: ClinVar variation 1735553 (VCV001735553.5), dbSNP rs2552135565, ClinGen allele CA10594251.

ClinVar aggregate classification (germline): Conflicting classifications of pathogenicity. Review status: criteria provided, conflicting classifications (1 of 4 stars). 2 submissions from 2 submitters: Uncertain significance (1); Likely benign (1). Last evaluated 2024-03-20.

Conditions:
Hereditary cancer-predisposing syndrome. Also called: Neoplastic Syndromes, Hereditary; Tumor predisposition; Hereditary Cancer Syndrome; Hereditary neoplastic syndrome. Identifiers: Orphanet 140162, MedGen C0027672, MeSH D009386, MONDO:0015356.

Submissions (2):

Ambry Genetics
Classification: Uncertain significance for Hereditary cancer-predisposing syndrome. Last evaluated: 2024-03-20. Review status: criteria provided, single submitter. Criteria: Ambry Variant Classification Scheme 2023. Collection method: clinical testing. Allele origin: germline.
Comment: The p.S1286G variant (also known as c.3856A>G), located in coding exon 9 of the BRCA1 gene, results from an A to G substitution at nucleotide position 3856. The serine at codon 1286 is replaced by glycine, an amino acid with similar properties. This amino acid position is conserved. In addition, the in silico prediction for this alteration is inconclusive. Since supporting evidence is limited at this time, the clinical significance of this alteration remains unclear.

University of Washington Department of Laboratory Medicine, University of Washington
Classification: Likely benign for Hereditary cancer-predisposing syndrome. Last evaluated: 2023-03-23. Review status: criteria provided, single submitter. Criteria: Dines et al. (Genet Med. 2020). Collection method: curation. Allele origin: germline.
Comment: Missense variant in a coldspot region where missense variants are very unlikely to be pathogenic (PMID:31911673).

BRCA1 coldspot (exon 11 using historical exon numbering). Reclassification based on statistical prior probability